The following is an entry in ClinVar:

ClinVar aggregate classification (germline): Uncertain significance (1 of 4 stars; one submission).

Conditions:
Hereditary cancer-predisposing syndrome. Also called: Tumor predisposition; Hereditary Cancer Syndrome; Hereditary neoplastic syndrome; Neoplastic Syndromes, Hereditary. Identifiers: Orphanet 140162, MedGen C0027672, MeSH D009386, MONDO:0015356.

Submission:

Ambry Genetics
Classification: Uncertain significance for Hereditary cancer-predisposing syndrome. Last evaluated: 2023-07-27. Review status: criteria provided, single submitter. Criteria: Ambry Variant Classification Scheme 2023. Collection method: clinical testing. Allele origin: germline.
Comment: The p.A977G variant (also known as c.2930C>G), located in coding exon 19 of the BRIP1 gene, results from a C to G substitution at nucleotide position 2930. The alanine at codon 977 is replaced by glycine, an amino acid with similar properties. This amino acid position is conserved. In addition, this alteration is predicted to be tolerated by in silico analysis. Since supporting evidence is limited at this time, the clinical significance of this alteration remains unclear.

NM_032043.3(BRIP1):c.2930C>G (p.Ala977Gly)

Gene: BRIP1 (BRCA1 interacting DNA helicase 1; minus strand). Cytogenetic location: 17q23.2.
Variant type: single nucleotide variant.
Coding change: c.2930C>G on transcript NM_032043.3 (MANE Select); coding-DNA position 2930, C replaced by G.
Protein change: p.Ala977Gly; replaces alanine 977 with glycine.
Molecular consequence: missense variant.
Genome position (GRCh38, 1-based): chr17:61,684,116, G>C on the plus strand (C>G on the coding strand, the complement: BRIP1 is on the minus strand). VCF-style: chr17-61684116-G-C. GRCh37 (hg19) VCF-style: chr17-59761477-G-C.
Other names: short protein forms A977G.
Identifiers: ClinVar variation 2626385 (VCV002626385.2), dbSNP rs770352467, ClinGen allele CA400480719.